The following is an entry in ClinVar:

ClinVar aggregate classification (germline): Uncertain significance (1 of 4 stars; one submission).

gnomAD v4.1: 4 of 1,614,050 alleles (0.00025%); highest among the groups gnomAD compares: Non-Finnish European, 0.00034%; no homozygotes.

Submission:

GeneDx
Classification: Uncertain significance. Last evaluated: 2020-02-10. Review status: criteria provided, single submitter. Criteria: GeneDx Variant Classification Process June 2021. Collection method: clinical testing. Allele origin: germline. Affected: yes.
Comment: Has not been previously published as pathogenic or benign to our knowledge; Not observed in large population cohorts (Lek et al., 2016); In silico analysis supports that this missense variant has a deleterious effect on protein structure/function

NM_006618.5(KDM5B):c.3473C>G (p.Ser1158Cys)

Gene: KDM5B (lysine demethylase 5B; minus strand). Cytogenetic location: 1q32.1.
Variant type: single nucleotide variant.
Coding change: c.3473C>G on transcript NM_006618.5 (MANE Select); coding-DNA position 3473, C replaced by G.
Protein change: p.Ser1158Cys; replaces serine 1158 with cysteine.
Molecular consequence: missense variant.
Genome position (GRCh38, 1-based): chr1:202,733,837, G>C on the plus strand (C>G on the coding strand, the complement: KDM5B is on the minus strand). VCF-style: chr1-202733837-G-C. GRCh37 (hg19) VCF-style: chr1-202702965-G-C.
Other names: c.3581C>G, p.Ser1194Cys (NM_001314042.2); c.3338C>G, p.Ser1113Cys (NM_001347591.2); c.3458C>G, p.Ser1153Cys (NM_001399817.1); short protein forms S1113C, S1158C, S1194C, S1153C.
Identifiers: ClinVar variation 1315392 (VCV001315392.3), dbSNP rs749477196, ClinGen allele CA344262536.